The following is an entry in ClinVar:

ClinVar aggregate classification (germline): Uncertain significance (1 of 4 stars; one submission).

Submission:

GeneDx
Classification: Uncertain significance. Last evaluated: 2022-01-04. Review status: criteria provided, single submitter. Criteria: GeneDx Variant Classification Process June 2021. Collection method: clinical testing. Allele origin: germline. Affected: yes.
Comment: Not observed at significant frequency in large population cohorts (gnomAD); In silico analysis supports that this missense variant has a deleterious effect on protein structure/function; Has not been previously published as pathogenic or benign to our knowledge

NM_006946.4(SPTBN2):c.469A>T (p.Ile157Phe)

Gene: SPTBN2 (spectrin beta, non-erythrocytic 2; minus strand). Cytogenetic location: 11q13.2.
Variant type: single nucleotide variant.
Coding change: c.469A>T on transcript NM_006946.4 (MANE Select); coding-DNA position 469, A replaced by T.
Protein change: p.Ile157Phe; replaces isoleucine 157 with phenylalanine.
Molecular consequence: missense variant.
Genome position (GRCh38, 1-based): chr11:66,715,236, T>A on the plus strand (A>T on the coding strand, the complement: SPTBN2 is on the minus strand). VCF-style: chr11-66715236-T-A. GRCh37 (hg19) VCF-style: chr11-66482707-T-A.
Other names: short protein forms I157F.
Identifiers: ClinVar variation 1695802 (VCV001695802.2), dbSNP rs2135521053, ClinGen allele CA381483577.